The following is an entry in ClinVar:

ClinVar aggregate classification (germline): Uncertain significance (1 of 4 stars; one submission).

Conditions:
Cryopyrin associated periodic syndrome (CAPS). Identifiers: Orphanet 208650, MedGen C2316212, MONDO:0016168.

Allele frequency attached by ClinVar (database versions not stated): gnomAD exomes below 0.00001; gnomAD 0.00001; TOPMed 0.00001.
gnomAD v4.1: 3 of 1,614,026 alleles (0.00019%); highest among the groups gnomAD compares: Non-Finnish European, 0.00025%; no homozygotes.

Submission:

Labcorp Genetics (formerly Invitae), Labcorp
Classification: Uncertain significance for Cryopyrin associated periodic syndrome. Last evaluated: 2023-11-13. Review status: criteria provided, single submitter. Criteria: Invitae Variant Classification Sherloc (09022015). Collection method: clinical testing. Allele origin: germline.
Comment: This sequence change replaces threonine, which is neutral and polar, with isoleucine, which is neutral and non-polar, at codon 853 of the NLRP3 protein (p.Thr853Ile). This variant is present in population databases (no rsID available, gnomAD 0.002%). This variant has not been reported in the literature in individuals affected with NLRP3-related conditions. ClinVar contains an entry for this variant (Variation ID: 2173592). Advanced modeling of protein sequence and biophysical properties (such as structural, functional, and spatial information, amino acid conservation, physicochemical variation, residue mobility, and thermodynamic stability) performed at Invitae indicates that this missense variant is not expected to disrupt NLRP3 protein function with a negative predictive value of 95%. In summary, the available evidence is currently insufficient to determine the role of this variant in disease. Therefore, it has been classified as a Variant of Uncertain Significance.

NM_001243133.2(NLRP3):c.2552C>T (p.Thr851Ile)

Gene: NLRP3 (NLR family pyrin domain containing 3; plus strand). Cytogenetic location: 1q44.
Variant type: single nucleotide variant.
Coding change: c.2552C>T on transcript NM_001243133.2 (MANE Select); coding-DNA position 2552, C replaced by T.
Protein change: p.Thr851Ile; replaces threonine 851 with isoleucine.
Molecular consequence: missense variant. On other transcripts: genic downstream transcript variant (2).
Genome position (GRCh38, 1-based): chr1:247,436,029, C>T. VCF-style: chr1-247436029-C-T. GRCh37 (hg19) VCF-style: chr1-247599331-C-T.
Other names: c.2552C>T, p.Thr851Ile (NM_001079821.3); c.2381C>T, p.Thr794Ile (NM_001127462.3); c.2558C>T, p.Thr853Ile (NM_004895.5); c.2492+1756C>T (NM_001127461.3); c.2321+1756C>T (NM_183395.3); short protein forms T851I, T853I, T794I.
Identifiers: ClinVar variation 2173592 (VCV002173592.4), dbSNP rs1165301516, ClinGen allele CA345562190.